The following is an entry in ClinVar:

NM_001114753.3(ENG):c.1498G>C (p.Glu500Gln)

Genes: ENG (endoglin; minus strand), LOC102723566 (uncharacterized LOC102723566; plus strand). Cytogenetic location: 9q34.11.
Variant type: single nucleotide variant.
Coding change: c.1498G>C on transcript NM_001114753.3 (MANE Select); coding-DNA position 1498, G replaced by C.
Protein change: p.Glu500Gln; replaces glutamic acid 500 with glutamine.
Molecular consequence: missense variant.
Genome position (GRCh38, 1-based): chr9:127,818,308, C>G on the plus strand (G>C on the coding strand, the complement: ENG is on the minus strand). VCF-style: chr9-127818308-C-G. GRCh37 (hg19) VCF-style: chr9-130580587-C-G.
Other names: c.1498G>C, p.Glu500Gln (NM_000118.4); c.952G>C, p.Glu318Gln (NM_001278138.2); short protein forms E318Q, E500Q.
Identifiers: ClinVar variation 4843424 (VCV004843424.1).

ClinVar aggregate classification (germline): Uncertain significance (1 of 4 stars; one submission).

Conditions:
Cardiovascular phenotype. Identifiers: MedGen CN230736.

Submission:

Ambry Genetics
Classification: Uncertain significance for Cardiovascular phenotype. Last evaluated: 2026-01-20. Review status: criteria provided, single submitter. Criteria: Ambry Variant Classification Scheme 2023. Collection method: clinical testing. Allele origin: germline.
Comment: The p.E500Q variant (also known as c.1498G>C), located in coding exon 12 of the ENG gene, results from a G to C substitution at nucleotide position 1498. The glutamic acid at codon 500 is replaced by glutamine, an amino acid with highly similar properties. This amino acid position is conserved. In addition, this alteration is predicted to be tolerated by in silico analysis. Based on the available evidence, the clinical significance of this variant remains unclear.